The following is an entry in ClinVar:

NM_032888.4(COL27A1):c.2521-2A>C

Gene: COL27A1 (collagen type XXVII alpha 1 chain; plus strand). Cytogenetic location: 9q32.
Variant type: single nucleotide variant.
Coding change: c.2521-2A>C on transcript NM_032888.4 (MANE Select); the canonical splice acceptor site of the intron before coding-DNA position 2521, A replaced by C.
Molecular consequence: splice acceptor variant.
Genome position (GRCh38, 1-based): chr9:114,231,820, A>C. VCF-style: chr9-114231820-A-C. GRCh37 (hg19) VCF-style: chr9-116994100-A-C.
Identifiers: ClinVar variation 1067233 (VCV001067233.7), dbSNP rs2135433834, ClinGen allele CA374587773.

ClinVar aggregate classification (germline): Likely pathogenic (1 of 4 stars; one submission).

Submission:

Labcorp Genetics (formerly Invitae), Labcorp
Classification: Likely pathogenic. Last evaluated: 2020-04-25. Review status: criteria provided, single submitter. Criteria: Invitae Variant Classification Sherloc (09022015). Collection method: clinical testing. Allele origin: germline.
Comment: In summary, the currently available evidence indicates that the variant is pathogenic, but additional data are needed to prove that conclusively. Therefore, this variant has been classified as Likely Pathogenic. Donor and acceptor splice site variants typically lead to a loss of protein function (PMID: 16199547), and loss-of-function variants in COL27A1 are known to be pathogenic (PMID: 24986830, 28276056). Algorithms developed to predict the effect of sequence changes on RNA splicing suggest that this variant may disrupt the consensus splice site, but this prediction has not been confirmed by published transcriptional studies. This variant has not been reported in the literature in individuals with COL27A1-related conditions. This variant is not present in population databases (ExAC no frequency). This sequence change affects an acceptor splice site in intron 15 of the COL27A1 gene. It is expected to disrupt RNA splicing and likely results in an absent or disrupted protein product.

Literature cited by the submitters: PubMed 16199547; PubMed 24986830; PubMed 28276056.